The following is an entry in ClinVar:

NM_000179.3(MSH6):c.363C>T (p.Arg121=)

Gene: MSH6 (mutS homolog 6; plus strand). Cytogenetic location: 2p16.3.
Variant type: single nucleotide variant.
Coding change: c.363C>T on transcript NM_000179.3 (MANE Select); coding-DNA position 363, C replaced by T.
Protein change: p.Arg121=; no amino-acid change (arginine 121 retained).
Molecular consequence: synonymous variant. On other transcripts: 5 prime UTR variant (2), intron variant (1).
Genome position (GRCh38, 1-based): chr2:47,791,029, C>T. VCF-style: chr2-47791029-C-T. GRCh37 (hg19) VCF-style: chr2-48018168-C-T.
Other names: c.-374C>T (NM_001281493.2); c.-540C>T (NM_001281494.2); c.237+7559C>T (NM_001281492.2).
Identifiers: ClinVar variation 89428 (VCV000089428.68), dbSNP rs587779276, ClinGen allele CA013593.

ClinVar aggregate classification (germline): Benign/Likely benign. Review status: criteria provided, multiple submitters, no conflicts (2 of 4 stars). 8 submissions from 8 submitters: Benign (1); Likely benign (6). 1 of the submissions does not count toward it. Last evaluated 2026-01-06.

Conditions:
Hereditary nonpolyposis colorectal neoplasms. Identifiers: MedGen C0009405, MeSH D003123.
Hereditary cancer-predisposing syndrome. Also called: Hereditary Cancer Syndrome; Tumor predisposition; Neoplastic Syndromes, Hereditary; Hereditary neoplastic syndrome. Identifiers: Orphanet 140162, MedGen C0027672, MeSH D009386, MONDO:0015356.
Lynch syndrome 5 (LYNCH5). Also called: Hereditary non-polyposis colorectal cancer, type 5; Colorectal cancer, hereditary nonpolyposis, type 5. Identifiers: Orphanet 144, MedGen C1833477, MONDO:0013710, OMIM 614350. Disease mechanism: loss of function.

Allele frequency attached by ClinVar (database versions not stated): gnomAD exomes below 0.00001; TOPMed below 0.00001; ExAC 0.00001; gnomAD 0.00001.

Submissions (8):

Labcorp Genetics (formerly Invitae), Labcorp
Classification: Likely benign for Hereditary nonpolyposis colorectal neoplasms. Last evaluated: 2026-01-06. Review status: criteria provided, single submitter. Criteria: Invitae Variant Classification Sherloc (09022015). Collection method: clinical testing. Allele origin: germline.

Quest Diagnostics Nichols Institute San Juan Capistrano
Classification: Likely benign. Last evaluated: 2025-03-14. Review status: criteria provided, single submitter. Criteria: Quest Diagnostics criteria. Collection method: clinical testing. Allele origin: unknown.

CeGaT Center for Human Genetics Tuebingen
Classification: Likely benign. Last evaluated: 2025-03-01. Review status: criteria provided, single submitter. Criteria: CeGaT Center For Human Genetics Tuebingen Variant Classification Criteria Version 2. Collection method: clinical testing. Allele origin: germline. Affected: yes. Observed: 1 variant allele.
Comment: MSH6: BP4, BP7

Myriad Genetics, Inc.
Classification: Benign for Lynch syndrome 5. Last evaluated: 2023-03-29. Review status: criteria provided, single submitter. Criteria: Myriad Autosomal Dominant, Autosomal Recessive and X-Linked Classification Criteria (2023). Collection method: clinical testing. Allele origin: unknown.
Comment: This variant is considered benign. This variant is a silent/synonymous amino acid change and it is not expected to impact splicing.

GeneDx
Classification: Likely benign. Last evaluated: 2018-06-12. Review status: criteria provided, single submitter. Criteria: GeneDx Variant Classification Process June 2021. Collection method: clinical testing. Allele origin: germline. Affected: yes.

Color Diagnostics, LLC DBA Color Health
Classification: Likely benign for Hereditary cancer-predisposing syndrome. Last evaluated: 2017-06-14. Review status: criteria provided, single submitter. Criteria: ACMG Guidelines, 2015. Collection method: clinical testing. Allele origin: germline.

Ambry Genetics
Classification: Likely benign for Hereditary cancer-predisposing syndrome. Last evaluated: 2014-11-19. Review status: criteria provided, single submitter. Criteria: Ambry Variant Classification Scheme 2023. Collection method: clinical testing. Allele origin: germline.

Counsyl
Classification: Likely benign for Lynch syndrome 5. Last evaluated: 2018-03-26. Review status: no assertion criteria provided. Collection method: clinical testing. Allele origin: unknown. Not counted in ClinVar's aggregate classification.